The following is an entry in ClinVar:

NM_002382.5(MAX):c.235C>A (p.His79Asn)

Gene: MAX (MYC associated transcriptional regulator X; minus strand). Cytogenetic location: 14q23.3.
Variant type: single nucleotide variant.
Coding change: c.235C>A on transcript NM_002382.5 (MANE Select); coding-DNA position 235, C replaced by A.
Protein change: p.His79Asn; replaces histidine 79 with asparagine.
Molecular consequence: missense variant. On other transcripts: 5 prime UTR variant (6), non-coding transcript variant (7), intron variant (2).
Genome position (GRCh38, 1-based): chr14:65,077,973, G>T on the plus strand (C>A on the coding strand, the complement: MAX is on the minus strand). VCF-style: chr14-65077973-G-T. GRCh37 (hg19) VCF-style: chr14-65544691-G-T.
Other names: c.-40C>A (NM_001320415.2, NM_001407105.1, NM_001407106.1 and 1 more transcripts); c.235C>A, p.His79Asn (NM_001407094.1, NM_001407096.1, NM_001407097.1 and 3 more transcripts); c.208C>A, p.His70Asn (NM_001407095.1, NM_001407099.1, NM_001407100.1 and 6 more transcripts); c.127C>A, p.His43Asn (NM_001407098.1); c.-133C>A (NM_001407111.1, NM_001407112.1); c.144+15735C>A (NM_001271069.2); c.171+15735C>A (NM_197957.4); short protein forms H70N, H79N, H43N.
Identifiers: ClinVar variation 4645691 (VCV004645691.2).

ClinVar aggregate classification (germline): Uncertain significance. Review status: criteria provided, multiple submitters, no conflicts (2 of 4 stars). 2 submissions from 2 submitters: Uncertain significance (2). Last evaluated 2025-12-07.

Conditions:
Hereditary pheochromocytoma and paraganglioma. Also called: Hereditary pheochromocytoma-paraganglioma; Hereditary Paraganglioma-Pheochromocytoma Syndromes; Hereditary paragangliomas and pheochromocytomas. Identifiers: Orphanet 29072, MedGen C4274332, MONDO:0017366.
Hereditary cancer-predisposing syndrome. Also called: Tumor predisposition; Neoplastic Syndromes, Hereditary; Hereditary neoplastic syndrome; Hereditary Cancer Syndrome. Identifiers: Orphanet 140162, MedGen C0027672, MeSH D009386, MONDO:0015356.

Submissions (2):

Ambry Genetics
Classification: Uncertain significance for Hereditary cancer-predisposing syndrome. Last evaluated: 2025-12-07. Review status: criteria provided, single submitter. Criteria: Ambry Variant Classification Scheme 2023. Collection method: clinical testing. Allele origin: germline.
Comment: The p.H79N variant (also known as c.235C>A), located in coding exon 4 of the MAX gene, results from a C to A substitution at nucleotide position 235. The histidine at codon 79 is replaced by asparagine, an amino acid with similar properties. This amino acid position is conserved. In addition, the in silico prediction for this alteration is inconclusive. Based on the available evidence, the clinical significance of this variant remains unclear.

Labcorp Genetics (formerly Invitae), Labcorp
Classification: Uncertain significance for Hereditary pheochromocytoma and paraganglioma. Last evaluated: 2025-09-16. Review status: criteria provided, single submitter. Criteria: Invitae Variant Classification Sherloc (09022015). Collection method: clinical testing. Allele origin: germline.
Comment: This sequence change replaces histidine, which is basic and polar, with asparagine, which is neutral and polar, at codon 79 of the MAX protein (p.His79Asn). This variant is not present in population databases (gnomAD no frequency). This variant has not been reported in the literature in individuals affected with MAX-related conditions. An algorithm developed to predict the effect of missense changes on protein structure and function (PolyPhen-2) suggests that this variant is likely to be tolerated. In summary, the available evidence is currently insufficient to determine the role of this variant in disease. Therefore, it has been classified as a Variant of Uncertain Significance.